The following is an entry in ClinVar:

NM_001039591.3(USP9X):c.4988T>A (p.Val1663Glu)

Gene: USP9X (ubiquitin specific peptidase 9 X-linked; plus strand). Cytogenetic location: Xp11.4.
Variant type: single nucleotide variant.
Coding change: c.4988T>A on transcript NM_001039591.3 (MANE Select); coding-DNA position 4988, T replaced by A.
Protein change: p.Val1663Glu; replaces valine 1663 with glutamic acid.
Molecular consequence: missense variant.
Genome position (GRCh38, 1-based): chrX:41,205,466, T>A. VCF-style: chrX-41205466-T-A. GRCh37 (hg19) VCF-style: chrX-41064719-T-A.
Other names: c.4988T>A, p.Val1663Glu (NM_001039590.3); c.5003T>A, p.Val1668Glu (NM_001410748.1, NM_001410749.1, NM_001437534.1); short protein forms V1663E, V1668E.
Identifiers: ClinVar variation 4882398 (VCV004882398.2).

ClinVar aggregate classification (germline): Uncertain significance (1 of 4 stars; one submission).

Conditions:
Intellectual developmental disorder, X-linked 99, syndromic, female-restricted. Also called: Intellectual disability, X-linked 99, syndromic, female-restricted. Identifiers: MedGen C4225416, MONDO:0010502, OMIM 300968.

Submission:

Dasa
Classification: Uncertain significance for Intellectual developmental disorder, X-linked 99, syndromic, female-restricted. Last evaluated: 2025-10-17. Review status: criteria provided, single submitter. Criteria: DASA Assertion Criteria. Collection method: clinical testing. Allele origin: germline.
Comment: NM_001039591.3(USP9X):c.4988T>A (p.Val1663Glu) is a missense variant that results in the substitution of valine with glutamic acid. This variant is rare in population databases. The currently available literature and clinical evidence are not sufficient to establish a definitive association between this variant and the reported condition. Therefore, this variant is classified as a variant of uncertain significance.